The following is an entry in ClinVar:

ClinVar aggregate classification (germline): Uncertain significance (3 of 4 stars; one submission).

Conditions:
Bernard Soulier syndrome (BSS). Also called: BLEEDING DISORDER, PLATELET-TYPE, 1; PLATELET GLYCOPROTEIN Ib DEFICIENCY; VON WILLEBRAND FACTOR RECEPTOR DEFICIENCY; Platelet Glycoprotein 1b, Deficiency of; Giant platelet syndrome; Hemorrhagiparous thrombocytic dystrophy. Identifiers: Orphanet 274, MedGen C0005129, MeSH D001606, MONDO:0009276, OMIM 231200.

Submission:

ClinGen Platelet Disorders Variant Curation Expert Panel, ClinGen
Classification: Uncertain significance for Bernard Soulier syndrome. Last evaluated: 2026-03-17. Review status: reviewed by expert panel. Criteria: ClinGen Platelet ACMG Specifications GP9 V1.0.0. Collection method: curation. Allele origin: germline. Inheritance: Autosomal recessive inheritance.
Comment: The c.506T>C variant in GP9 is a missense variant predicted to cause substitution of Leucine by Proline at amino acid (p.Leu169Pro). This variant has been detected in at least 1 proband with Bernard-Soulier syndrome (BSS Consortium). This individual was compound heterozygous for this variant and the NM_000174.5(GP9):c.182A>G (p.Asn61Ser) variant, which was classified as Pathogenic by the PD VCEP. The phase of these variants in this patient is unclear (0.5 point, PM3_Supporting). This proband does not meet the criteria for PP4 as defined by the Platelet Disorders VCEP. The computational predictor REVEL gives a score of 0.825, which is above the ClinGen PD VCEP threshold of >0.773 and predicts a damaging effect on function (PP3_Moderate). This variant is absent from gnomAD v4.1.0 (PM2_Supporting). In summary, this variant meets the criteria to be classified as VUS for autosomal recessive Bernard-Soulier syndrome based on the ACMG/AMP criteria applied, as specified by the ClinGen PD VCEP: PM3_Supporting, PP3_Moderate and PM2_Supporting (VCEP specifications version 1.1).

NM_000174.5(GP9):c.506T>C (p.Leu169Pro)

Gene: GP9 (glycoprotein IX platelet; plus strand). Cytogenetic location: 3q21.3.
Variant type: single nucleotide variant.
Coding change: c.506T>C on transcript NM_000174.5 (MANE Select); coding-DNA position 506, T replaced by C.
Protein change: p.Leu169Pro; replaces leucine 169 with proline.
Molecular consequence: missense variant.
Genome position (GRCh38, 1-based): chr3:129,062,245, T>C. VCF-style: chr3-129062245-T-C. GRCh37 (hg19) VCF-style: chr3-128781088-T-C.
Other names: NM_000174.5:c.506T>C; short protein forms L169P.
Identifiers: ClinVar variation 4849238 (VCV004849238.1).